The following is an entry in ClinVar:

ClinVar aggregate classification (germline): Likely pathogenic (1 of 4 stars; one submission).

Conditions:
Polycystic kidney disease 4 (PKD4). Also called: POLYCYSTIC KIDNEY DISEASE 4 WITH OR WITHOUT POLYCYSTIC LIVER DISEASE; POLYCYSTIC KIDNEY AND HEPATIC DISEASE 1; POLYCYSTIC KIDNEY DISEASE, INFANTILE, TYPE I; PKD3; Autosomal Recessive Polycystic Kidney Disease – PKHD1. Identifiers: MedGen C4540575, MONDO:0033004, OMIM 263200.

Submission:

Juno Genomics, Hangzhou Juno Genomics, Inc
Classification: Likely pathogenic for Polycystic kidney disease 4. Review status: criteria provided, single submitter. Criteria: ACMG Guidelines, 2015. Collection method: clinical testing. Allele origin: germline.
Comment: Null variant in a gene where loss of function (LOF) is a known mechanism of disease.;Absent from controls (or at extremely low frequency if recessive) in Genome Aggregation Database.

NM_138694.4(PKHD1):c.5364_5373dup (p.Leu1792fs)

Gene: PKHD1 (PKHD1 ciliary IPT domain containing fibrocystin/polyductin; minus strand). Cytogenetic location: 6p12.2.
Variant type: Duplication.
Coding change: c.5364_5373dup on transcript NM_138694.4 (MANE Select); coding-DNA positions 5364 to 5373, 10 bases duplicated (GGTTCTGCCC; older notation c.5364_5373dupGGTTCTGCCC).
Protein change: p.Leu1792fs; shifts the reading frame from leucine 1792.
Molecular consequence: frameshift variant.
Genome position (GRCh38, 1-based): chr6:52,022,808-52,022,817, GGGCAGAACC duplicated on the plus strand (GGTTCTGCCC on the coding strand, the reverse complement: PKHD1 is on the minus strand). VCF-style (leftmost placement, unchanged base first): chr6-52022807-G-GGGGCAGAACC. GRCh37 (hg19) VCF-style: chr6-51887605-G-GGGGCAGAACC.
Other names: c.5364_5373dup, p.Leu1792fs (NM_170724.3); short protein forms L1792fs.
Identifiers: ClinVar variation 5007081 (VCV005007081.2).
Genomic context (GRCh38, chr6:52,022,807, plus strand): 5'-ATATCATTTCCATATATATGCTTTAAAATATATGTGTGTGGCATCTTTACTCACCATCCA[G>GGGGCAGAACC]GGGCAGAACCAAGCAGCTGAAGGCAGACACTGTAGCATTAGCCAGGACTCGGCAGGGAGC-3'